The following is an entry in ClinVar:

NM_020778.5(ALPK3):c.3970G>C (p.Gly1324Arg)

Gene: ALPK3 (alpha kinase 3; plus strand). Cytogenetic location: 15q25.3.
Variant type: single nucleotide variant.
Coding change: c.3970G>C on transcript NM_020778.5 (MANE Select); coding-DNA position 3970, G replaced by C.
Protein change: p.Gly1324Arg; replaces glycine 1324 with arginine.
Molecular consequence: missense variant.
Genome position (GRCh38, 1-based): chr15:84,859,780, G>C. VCF-style: chr15-84859780-G-C. GRCh37 (hg19) VCF-style: chr15-85403011-G-C.
Other names: short protein forms G1324R.
Identifiers: ClinVar variation 4089136 (VCV004089136.3).

ClinVar aggregate classification (germline): Uncertain significance. Review status: criteria provided, multiple submitters, no conflicts (2 of 4 stars). 2 submissions from 2 submitters: Uncertain significance (2). Last evaluated 2025-11-05.

Conditions:
Cardiovascular phenotype. Identifiers: MedGen CN230736.

gnomAD v4.1: 5 of 1,611,874 alleles (0.00031%); highest among the groups gnomAD compares: Non-Finnish European, 0.00042%; no homozygotes.

Submissions (2):

Ambry Genetics
Classification: Uncertain significance for Cardiovascular phenotype. Last evaluated: 2025-11-05. Review status: criteria provided, single submitter. Criteria: Ambry Variant Classification Scheme 2023. Collection method: clinical testing. Allele origin: germline.

Labcorp Genetics (formerly Invitae), Labcorp
Classification: Uncertain significance. Last evaluated: 2025-04-23. Review status: criteria provided, single submitter. Criteria: Invitae Variant Classification Sherloc (09022015). Collection method: clinical testing. Allele origin: germline.
Comment: This sequence change replaces glycine, which is neutral and non-polar, with arginine, which is basic and polar, at codon 1526 of the ALPK3 protein (p.Gly1526Arg). This variant is present in population databases (no rsID available, gnomAD 0.01%). This variant has not been reported in the literature in individuals affected with ALPK3-related conditions. Invitae Evidence Modeling of protein sequence and biophysical properties (such as structural, functional, and spatial information, amino acid conservation, physicochemical variation, residue mobility, and thermodynamic stability) indicates that this missense variant is expected to disrupt ALPK3 protein function with a positive predictive value of 80%. In summary, the available evidence is currently insufficient to determine the role of this variant in disease. Therefore, it has been classified as a Variant of Uncertain Significance.